The following is an entry in ClinVar:

NM_000821.7(GGCX):c.1435C>T (p.Gln479Ter)

Gene: GGCX (gamma-glutamyl carboxylase; minus strand). Cytogenetic location: 2p11.2.
Variant type: single nucleotide variant.
Coding change: c.1435C>T on transcript NM_000821.7 (MANE Select); coding-DNA position 1435, C replaced by T.
Protein change: p.Gln479Ter; replaces glutamine 479 with a stop codon.
Molecular consequence: nonsense.
Genome position (GRCh38, 1-based): chr2:85,552,420, G>A on the plus strand (C>T on the coding strand, the complement: GGCX is on the minus strand). VCF-style: chr2-85552420-G-A. GRCh37 (hg19) VCF-style: chr2-85779543-G-A.
Other names: c.1264C>T, p.Gln422Ter (NM_001142269.4); short protein forms Q422*, Q479*.
Identifiers: ClinVar variation 3700225 (VCV003700225.2).

ClinVar aggregate classification (germline): Pathogenic (1 of 4 stars; one submission).

Submission:

Labcorp Genetics (formerly Invitae), Labcorp
Classification: Pathogenic. Last evaluated: 2024-03-13. Review status: criteria provided, single submitter. Criteria: Invitae Variant Classification Sherloc (09022015). Collection method: clinical testing. Allele origin: germline.
Comment: This sequence change creates a premature translational stop signal (p.Gln479*) in the GGCX gene. It is expected to result in an absent or disrupted protein product. Loss-of-function variants in GGCX are known to be pathogenic (PMID: 17110937, 17327402, 24520408). This variant is present in population databases (no rsID available, gnomAD 0.0009%). This variant has not been reported in the literature in individuals affected with GGCX-related conditions. Algorithms developed to predict the effect of sequence changes on RNA splicing suggest that this variant may disrupt the consensus splice site. For these reasons, this variant has been classified as Pathogenic.

Literature cited by the submitters: PubMed 17110937; PubMed 17327402; PubMed 24520408.